The following is an entry in ClinVar:

ClinVar aggregate classification (germline): Uncertain significance (1 of 4 stars; one submission).

Submission:

Labcorp Genetics (formerly Invitae), Labcorp
Classification: Uncertain significance. Last evaluated: 2022-07-25. Review status: criteria provided, single submitter. Criteria: Invitae Variant Classification Sherloc (09022015). Collection method: clinical testing. Allele origin: germline.
Comment: In summary, the available evidence is currently insufficient to determine the role of this variant in disease. Therefore, it has been classified as a Variant of Uncertain Significance. Algorithms developed to predict the effect of missense changes on protein structure and function output the following: SIFT: "Tolerated"; PolyPhen-2: "Benign"; Align-GVGD: "Class C0". The proline amino acid residue is found in multiple mammalian species, which suggests that this missense change does not adversely affect protein function. This variant has not been reported in the literature in individuals affected with REST-related conditions. This variant is not present in population databases (gnomAD no frequency). This sequence change replaces alanine, which is neutral and non-polar, with proline, which is neutral and non-polar, at codon 714 of the REST protein (p.Ala714Pro).

NM_005612.5(REST):c.2140G>C (p.Ala714Pro)

Gene: REST (RE1 silencing transcription factor; plus strand). Cytogenetic location: 4q12.
Variant type: single nucleotide variant.
Coding change: c.2140G>C on transcript NM_005612.5 (MANE Select); coding-DNA position 2140, G replaced by C.
Protein change: p.Ala714Pro; replaces alanine 714 with proline.
Molecular consequence: missense variant.
Genome position (GRCh38, 1-based): chr4:56,930,998, G>C. VCF-style: chr4-56930998-G-C. GRCh37 (hg19) VCF-style: chr4-57797164-G-C.
Other names: c.2140G>C, p.Ala714Pro (NM_001193508.2, NM_001363453.3); short protein forms A714P.
Identifiers: ClinVar variation 1966004 (VCV001966004.5), dbSNP rs746680187, ClinGen allele CA357008164.